The following is an entry in ClinVar:

NM_001382430.1(AKT1):c.1123G>C (p.Glu375Gln)

Gene: AKT1 (AKT serine/threonine kinase 1; minus strand). Cytogenetic location: 14q32.33.
Variant type: single nucleotide variant.
Coding change: c.1123G>C on transcript NM_001382430.1 (MANE Select); coding-DNA position 1123, G replaced by C.
Protein change: p.Glu375Gln; replaces glutamic acid 375 with glutamine.
Molecular consequence: missense variant.
Genome position (GRCh38, 1-based): chr14:104,772,927, C>G on the plus strand (G>C on the coding strand, the complement: AKT1 is on the minus strand). VCF-style: chr14-104772927-C-G. GRCh37 (hg19) VCF-style: chr14-105239264-C-G.
Other names: c.1123G>C, p.Glu375Gln (NM_001014431.2, NM_001014432.2, NM_001382431.1 and 3 more transcripts); short protein forms E375Q.
Identifiers: ClinVar variation 3850802 (VCV003850802.1).
Genomic context (GRCh38, chr14:104,772,927, plus strand): 5'-GCGGCCCTCACCTCTGCTTGGGGTCCTTCTTGAGCAGCCCTGAAAGCAAGGACTTGGCCT[C>G]GGGACCAAGCGTGCGCGGGAAGCGGATCTCCTCCATGAGGATGAGCTCAAAAAGCTTCTC-3'
Protein context (NP_001369359.1, residues 365-385): EIRFPRTLGP[Glu375Gln]AKSLLSGLLK

ClinVar aggregate classification (germline): Uncertain significance (1 of 4 stars; one submission).

Conditions:
Inborn genetic diseases. Identifiers: MedGen C0950123, MeSH D030342.

Submission:

Ambry Genetics
Classification: Uncertain significance for Inborn genetic diseases. Last evaluated: 2025-02-24. Review status: criteria provided, single submitter. Criteria: Ambry Variant Classification Scheme 2023. Collection method: clinical testing. Allele origin: germline.
Comment: The p.E375Q variant (also known as c.1123G>C), located in coding exon 10 of the AKT1 gene, results from a G to C substitution at nucleotide position 1123. The glutamic acid at codon 375 is replaced by glutamine, an amino acid with highly similar properties. This amino acid position is conserved. In addition, this alteration is predicted to be tolerated by in silico analysis. Based on the available evidence, the clinical significance of this variant remains unclear.